The following is an entry in ClinVar:

NM_014049.5(ACAD9):c.862G>C (p.Glu288Gln)

Gene: ACAD9 (acyl-CoA dehydrogenase family member 9; plus strand). Cytogenetic location: 3q21.3.
Variant type: single nucleotide variant.
Coding change: c.862G>C on transcript NM_014049.5 (MANE Select); coding-DNA position 862, G replaced by C.
Protein change: p.Glu288Gln; replaces glutamic acid 288 with glutamine.
Molecular consequence: missense variant. On other transcripts: non-coding transcript variant (1).
Genome position (GRCh38, 1-based): chr3:128,901,329, G>C. VCF-style: chr3-128901329-G-C. GRCh37 (hg19) VCF-style: chr3-128620172-G-C.
Other names: c.493G>C, p.Glu165Gln (NM_001410805.1); short protein forms E288Q, E165Q.
Identifiers: ClinVar variation 1943894 (VCV001943894.2), dbSNP rs1432771195, ClinGen allele CA354435077.

ClinVar aggregate classification (germline): Uncertain significance (1 of 4 stars; one submission).

Allele frequency attached by ClinVar (database versions not stated): gnomAD exomes below 0.00001.
gnomAD v4.1: 3 of 1,614,064 alleles (0.00019%); highest among the groups gnomAD compares: Non-Finnish European, 0.00017%; no homozygotes.

Submission:

Labcorp Genetics (formerly Invitae), Labcorp
Classification: Uncertain significance. Last evaluated: 2022-07-27. Review status: criteria provided, single submitter. Criteria: Invitae Variant Classification Sherloc (09022015). Collection method: clinical testing. Allele origin: germline.
Comment: This sequence change replaces glutamic acid, which is acidic and polar, with glutamine, which is neutral and polar, at codon 288 of the ACAD9 protein (p.Glu288Gln). This variant is present in population databases (no rsID available, gnomAD 0.0009%). This variant has not been reported in the literature in individuals affected with ACAD9-related conditions. Advanced modeling of protein sequence and biophysical properties (such as structural, functional, and spatial information, amino acid conservation, physicochemical variation, residue mobility, and thermodynamic stability) performed at Invitae indicates that this missense variant is not expected to disrupt ACAD9 protein function. In summary, the available evidence is currently insufficient to determine the role of this variant in disease. Therefore, it has been classified as a Variant of Uncertain Significance.